The following is an entry in ClinVar:

ClinVar aggregate classification (germline): Uncertain significance (1 of 4 stars; one submission).

Conditions:
Familial thoracic aortic aneurysm and aortic dissection (TAAD). Also called: Thoracic aortic aneurysms and dissections. Identifiers: Orphanet 91387, MedGen C4707243, MONDO:0019625.

gnomAD v4.1: 1 of 1,613,508 alleles (0.000062%); highest among the groups gnomAD compares: Non-Finnish European, 0.000085%; no homozygotes.

Submission:

Color Diagnostics, LLC DBA Color Health
Classification: Uncertain significance for Familial thoracic aortic aneurysm and aortic dissection. Last evaluated: 2025-08-24. Review status: criteria provided, single submitter. Criteria: ACMG Guidelines, 2015. Collection method: clinical testing. Allele origin: germline.
Comment: This missense variant replaces leucine with valine at codon 135 of the FBN1 protein. Computational prediction suggests that this variant may not impact protein structure and function. To our knowledge, functional studies have not been reported for this variant. This variant has not been reported in individuals affected with FBN1-related disorders in the literature. This variant has not been identified in the general population by the Genome Aggregation Database (gnomAD). The available evidence is insufficient to determine the role of this variant in disease conclusively. Therefore, this variant is classified as a Variant of Uncertain Significance.

NM_000138.5(FBN1):c.403C>G (p.Leu135Val)

Gene: FBN1 (fibrillin 1; minus strand). Cytogenetic location: 15q21.1.
Variant type: single nucleotide variant.
Coding change: c.403C>G on transcript NM_000138.5 (MANE Select); coding-DNA position 403, C replaced by G.
Protein change: p.Leu135Val; replaces leucine 135 with valine.
Molecular consequence: missense variant.
Genome position (GRCh38, 1-based): chr15:48,600,178, G>C on the plus strand (C>G on the coding strand, the complement: FBN1 is on the minus strand). VCF-style: chr15-48600178-G-C. GRCh37 (hg19) VCF-style: chr15-48892375-G-C.
Other names: c.403C>G, p.Leu135Val (NM_001406716.1, NM_001406717.1); short protein forms L135V.
Identifiers: ClinVar variation 4757835 (VCV004757835.1).